The following is an entry in ClinVar:

NM_000093.5(COL5A1):c.3607C>T (p.Arg1203Trp)

Gene: COL5A1 (collagen type V alpha 1 chain; plus strand). Cytogenetic location: 9q34.3.
Variant type: single nucleotide variant.
Coding change: c.3607C>T on transcript NM_000093.5 (MANE Select); coding-DNA position 3607, C replaced by T.
Protein change: p.Arg1203Trp; replaces arginine 1203 with tryptophan.
Molecular consequence: missense variant.
Genome position (GRCh38, 1-based): chr9:134,811,516, C>T. VCF-style: chr9-134811516-C-T. GRCh37 (hg19) VCF-style: chr9-137703362-C-T.
Other names: c.3607C>T, p.Arg1203Trp (NM_001278074.1); c.3607C>T (NM_000093.3); short protein forms R1203W.
Identifiers: ClinVar variation 2724238 (VCV002724238.5), dbSNP rs754953415, ClinGen allele CA5319969.

ClinVar aggregate classification (germline): Uncertain significance. Review status: criteria provided, multiple submitters, no conflicts (2 of 4 stars). 3 submissions from 3 submitters: Uncertain significance (3). Last evaluated 2025-07-30.

Conditions:
COL5A1-related disorder. Also called: COL5A1-related condition.
Ehlers-Danlos syndrome, classic type, 1 (EDSCL1). Also called: EHLERS-DANLOS SYNDROME, GRAVIS TYPE; EHLERS-DANLOS SYNDROME, SEVERE CLASSIC TYPE; EDS I; Ehlers-Danlos syndrome, type 1; Ehlers-Danlos Syndrome, Classic Type, COL5A1-Related. Identifiers: MedGen C0268335, MONDO:0019567, OMIM 130000.
Familial thoracic aortic aneurysm and aortic dissection (TAAD). Also called: Thoracic aortic aneurysms and dissections. Identifiers: Orphanet 91387, MedGen C4707243, MONDO:0019625.

Allele frequency attached by ClinVar (database versions not stated): gnomAD 0.00001; TOPMed 0.00001; gnomAD exomes below 0.00001; ExAC 0.00001.
gnomAD v4.1: 6 of 1,609,932 alleles (0.00037%); highest among the groups gnomAD compares: East Asian, 0.0045%; no homozygotes.

Submissions (3):

PreventionGenetics, part of Exact Sciences
Classification: Uncertain significance for COL5A1-related condition. Last evaluated: 2025-07-30. Review status: criteria provided, single submitter. Criteria: ACMG Guidelines, 2015. Collection method: clinical testing. Allele origin: germline.
Comment: The COL5A1 c.3607C>T variant is predicted to result in the amino acid substitution p.Arg1203Trp. To our knowledge, this variant has not been reported in the literature. This variant is reported in 0.0048% of alleles in individuals of European (Finnish) descent in gnomAD. At this time, the clinical significance of this variant is uncertain due to the absence of conclusive functional and genetic evidence.

Ambry Genetics
Classification: Uncertain significance for Familial thoracic aortic aneurysm and aortic dissection. Last evaluated: 2025-07-25. Review status: criteria provided, single submitter. Criteria: Ambry Variant Classification Scheme 2023. Collection method: clinical testing. Allele origin: germline.
Comment: The p.R1203W variant (also known as c.3607C>T), located in coding exon 46 of the COL5A1 gene, results from a C to T substitution at nucleotide position 3607. The arginine at codon 1203 is replaced by tryptophan, an amino acid with dissimilar properties. This amino acid position is highly conserved in available vertebrate species. In addition, this alteration is predicted to be deleterious by in silico analysis. Based on the available evidence, the clinical significance of this variant remains unclear.

Labcorp Genetics (formerly Invitae), Labcorp
Classification: Uncertain significance for Ehlers-Danlos syndrome, classic type, 1. Last evaluated: 2024-01-25. Review status: criteria provided, single submitter. Criteria: Invitae Variant Classification Sherloc (09022015). Collection method: clinical testing. Allele origin: germline.
Comment: This sequence change replaces arginine, which is basic and polar, with tryptophan, which is neutral and slightly polar, at codon 1203 of the COL5A1 protein (p.Arg1203Trp). This variant is present in population databases (rs754953415, gnomAD 0.005%). This variant has not been reported in the literature in individuals affected with COL5A1-related conditions. Advanced modeling of protein sequence and biophysical properties (such as structural, functional, and spatial information, amino acid conservation, physicochemical variation, residue mobility, and thermodynamic stability) has been performed at Invitae for this missense variant, however the output from this modeling did not meet the statistical confidence thresholds required to predict the impact of this variant on COL5A1 protein function. In summary, the available evidence is currently insufficient to determine the role of this variant in disease. Therefore, it has been classified as a Variant of Uncertain Significance.